The following is an entry in ClinVar:

NM_001330723.2(SNX27):c.648del (p.Pro217fs)

Gene: SNX27 (sorting nexin 27; plus strand). Cytogenetic location: 1q21.3.
Variant type: Deletion.
Coding change: c.648del on transcript NM_001330723.2 (MANE Select); coding-DNA position 648, one base deleted (T; older notation c.648delT).
Protein change: p.Pro217fs; shifts the reading frame from proline 217.
Molecular consequence: frameshift variant.
Genome position (GRCh38, 1-based): chr1:151,658,339, T deleted; the last of 3 consecutive T bases (chr1:151,658,337-151,658,339); deleting any one gives the same sequence. VCF-style (leftmost placement, unchanged base first): chr1-151658336-AT-A. GRCh37 (hg19) VCF-style: chr1-151630812-AT-A.
Other names: c.345del, p.Pro116fs (NM_001437601.1, NM_001437603.1); c.339del, p.Pro114fs (NM_001437602.1, NM_001437604.1); c.285del, p.Pro96fs (NM_001437605.1, NM_001437606.1); c.90del, p.Pro31fs (NM_001437607.1, NM_001437608.1); c.648del, p.Pro217fs (NM_030918.6); short protein forms P114fs, P116fs, P217fs, P31fs, P96fs.
Identifiers: ClinVar variation 4974978 (VCV004974978.1).

ClinVar aggregate classification (germline): Likely pathogenic (1 of 4 stars; one submission).

Conditions:
DAMSEH-DANSON NEURODEVELOPMENTAL DISORDER (DADAND). Also called: NEURODEVELOPMENTAL DISORDER WITH SEIZURES, ABSENT LANGUAGE, AND BEHAVIORAL ABNORMALITIES. Identifiers: MedGen CN381674, OMIM 621591.

Submission:

Diagnostics Services (NGS), CSIR - Centre For Cellular And Molecular Biology
Classification: Likely pathogenic for DAMSEH-DANSON NEURODEVELOPMENTAL DISORDER. Last evaluated: 2026-08-06. Review status: criteria provided, single submitter. Criteria: ACMG Guidelines, 2015. Collection method: clinical testing. Allele origin: germline. Affected: no. Observed: 1 variant allele, 1 heterozygote.